The following is an entry in ClinVar:

NM_021625.5(TRPV4):c.14G>A (p.Ser5Asn)

Gene: TRPV4 (transient receptor potential cation channel subfamily V member 4; minus strand). Cytogenetic location: 12q24.11.
Variant type: single nucleotide variant.
Coding change: c.14G>A on transcript NM_021625.5 (MANE Select); coding-DNA position 14, G replaced by A.
Protein change: p.Ser5Asn; replaces serine 5 with asparagine.
Molecular consequence: missense variant.
Genome position (GRCh38, 1-based): chr12:109,814,783, C>T on the plus strand (G>A on the coding strand, the complement: TRPV4 is on the minus strand). VCF-style: chr12-109814783-C-T. GRCh37 (hg19) VCF-style: chr12-110252588-C-T.
Other names: c.14G>A, p.Ser5Asn (NM_001177428.2, NM_001177431.2, NM_001177433.2 and 1 more transcripts); short protein forms S5N.
Identifiers: ClinVar variation 2428188 (VCV002428188.6), dbSNP rs1263438978, ClinGen allele CA386661280.

ClinVar aggregate classification (germline): Uncertain significance (1 of 4 stars; one submission).

Conditions:
Charcot-Marie-Tooth disease axonal type 2C (HMSN2C). Also called: CHARCOT-MARIE-TOOTH DISEASE, AXONAL, AUTOSOMAL DOMINANT, TYPE 2C; Charcot-Marie-Tooth Neuropathy Type 2C; Charcot-Marie-Tooth Disease Type 2, TRPV4-Related (CMT2C). Identifiers: Orphanet 99937, MedGen C1853710, MONDO:0011633, OMIM 606071.

Allele frequency attached by ClinVar (database versions not stated): gnomAD exomes below 0.00001; TOPMed 0.00001.
gnomAD v4.1: 1 of 1,543,798 alleles (0.000065%); highest among the groups gnomAD compares: Non-Finnish European, 0.000087%; no homozygotes.

Submission:

Labcorp Genetics (formerly Invitae), Labcorp
Classification: Uncertain significance for Charcot-Marie-Tooth disease axonal type 2C. Last evaluated: 2024-12-16. Review status: criteria provided, single submitter. Criteria: Invitae Variant Classification Sherloc (09022015). Collection method: clinical testing. Allele origin: germline.
Comment: This sequence change replaces serine, which is neutral and polar, with asparagine, which is neutral and polar, at codon 5 of the TRPV4 protein (p.Ser5Asn). This variant is present in population databases (no rsID available, gnomAD 0.002%). This variant has not been reported in the literature in individuals affected with TRPV4-related conditions. ClinVar contains an entry for this variant (Variation ID: 2428188). Invitae Evidence Modeling of protein sequence and biophysical properties (such as structural, functional, and spatial information, amino acid conservation, physicochemical variation, residue mobility, and thermodynamic stability) indicates that this missense variant is not expected to disrupt TRPV4 protein function with a negative predictive value of 95%. In summary, the available evidence is currently insufficient to determine the role of this variant in disease. Therefore, it has been classified as a Variant of Uncertain Significance.